The following is an entry in ClinVar:

NM_002677.5(PMP2):c.73+3A>G

Gene: PMP2 (peripheral myelin protein 2; minus strand). Cytogenetic location: 8q21.13.
Variant type: single nucleotide variant.
Coding change: c.73+3A>G on transcript NM_002677.5 (MANE Select); 3 bases into the intron after coding-DNA position 73, A replaced by G.
Molecular consequence: intron variant.
Genome position (GRCh38, 1-based): chr8:81,447,311, T>C on the plus strand (A>G on the coding strand, the complement: PMP2 is on the minus strand). VCF-style: chr8-81447311-T-C. GRCh37 (hg19) VCF-style: chr8-82359546-T-C.
Other names: c.73+3A>G (NM_001348381.2).
Identifiers: ClinVar variation 2889295 (VCV002889295.3), dbSNP rs764162586, ClinGen allele CA4792002.

ClinVar aggregate classification (germline): Uncertain significance (1 of 4 stars; one submission).

Allele frequency attached by ClinVar (database versions not stated): gnomAD 0.00001; ExAC 0.00002; gnomAD exomes 0.00002; TOPMed 0.00002.
gnomAD v4.1: 30 of 1,610,618 alleles (0.0019%); highest among the groups gnomAD compares: Admixed American, 0.0033%; no homozygotes.

Submission:

Labcorp Genetics (formerly Invitae), Labcorp
Classification: Uncertain significance. Last evaluated: 2023-12-04. Review status: criteria provided, single submitter. Criteria: Invitae Variant Classification Sherloc (09022015). Collection method: clinical testing. Allele origin: germline.
Comment: This sequence change falls in intron 1 of the PMP2 gene. It does not directly change the encoded amino acid sequence of the PMP2 protein. It affects a nucleotide within the consensus splice site. This variant is present in population databases (rs764162586, gnomAD 0.006%). This variant has not been reported in the literature in individuals affected with PMP2-related conditions. Variants that disrupt the consensus splice site are a relatively common cause of aberrant splicing (PMID: 17576681, 9536098). Algorithms developed to predict the effect of sequence changes on RNA splicing suggest that this variant may disrupt the consensus splice site. In summary, the available evidence is currently insufficient to determine the role of this variant in disease. Therefore, it has been classified as a Variant of Uncertain Significance.

Literature cited by the submitters: PubMed 17576681; PubMed 9536098.